The following is an entry in ClinVar:

ClinVar aggregate classification (germline): Uncertain significance. Review status: criteria provided, multiple submitters, no conflicts (2 of 4 stars). 2 submissions from 2 submitters: Uncertain significance (2). Last evaluated 2025-01-03.

Submissions (2):

GeneDx
Classification: Uncertain significance. Last evaluated: 2025-01-03. Review status: criteria provided, single submitter. Criteria: GeneDx Variant Classification Process June 2021. Collection method: clinical testing. Allele origin: germline. Affected: yes.
Comment: Not observed at significant frequency in large population cohorts (gnomAD); In-frame deletion of 1 amino acid in a non-repeat region; In silico analysis supports a deleterious effect on protein structure/function; Has not been previously published as pathogenic or benign to our knowledge

Labcorp Genetics (formerly Invitae), Labcorp
Classification: Uncertain significance. Last evaluated: 2023-03-09. Review status: criteria provided, single submitter. Criteria: Invitae Variant Classification Sherloc (09022015). Collection method: clinical testing. Allele origin: germline.
Comment: This variant, c.1190_1192del, results in the deletion of 1 amino acid(s) of the CLCN6 protein (p.Gly397del), but otherwise preserves the integrity of the reading frame. This variant is not present in population databases (gnomAD no frequency). This variant has not been reported in the literature in individuals affected with CLCN6-related conditions. ClinVar contains an entry for this variant (Variation ID: 1992579). Experimental studies and prediction algorithms are not available or were not evaluated, and the functional significance of this variant is currently unknown. In summary, the available evidence is currently insufficient to determine the role of this variant in disease. Therefore, it has been classified as a Variant of Uncertain Significance.

NM_001286.5(CLCN6):c.1190_1192del (p.Gly397del)

Gene: CLCN6 (chloride voltage-gated channel 6; plus strand). Cytogenetic location: 1p36.22.
Variant type: Deletion.
Coding change: c.1190_1192del on transcript NM_001286.5 (MANE Select); coding-DNA positions 1190 to 1192, 3 bases deleted (GAG; older notation c.1190_1192delGAG).
Protein change: p.Gly397del; deletes glycine 397.
Molecular consequence: inframe deletion. On other transcripts: non-coding transcript variant (1).
Genome position (GRCh38, 1-based): chr1:11,829,264-11,829,266, GAG deleted; deleting any 3 consecutive bases within chr1:11,829,262-11,829,266 gives the same sequence; the c. name uses the placement nearest the transcript's 3' end. VCF-style (leftmost placement, unchanged base first): chr1-11829261-TAGG-T. GRCh37 (hg19) VCF-style: chr1-11889318-TAGG-T.
Other names: c.1124_1126del, p.Gly375del (NM_001256959.2); c.1190_1192del (NM_001286.3); short protein forms G397del, G375del.
Identifiers: ClinVar variation 1992579 (VCV001992579.5), dbSNP rs2523133110, ClinGen allele CA2580061153.